The following is an entry in ClinVar:

NM_016065.4(MRPS16):c.275-247A>G

Genes: DNAJC9-AS1 (DNAJC9 and MRPS16 antisense RNA 1; plus strand), MRPS16 (mitochondrial ribosomal protein S16; minus strand). Cytogenetic location: 10q22.2.
Variant type: single nucleotide variant.
Coding change: c.275-247A>G on transcript NM_016065.4 (MANE Select); 247 bases into the intron before coding-DNA position 275, A replaced by G.
Molecular consequence: intron variant.
Genome position (GRCh38, 1-based): chr10:73,251,238, T>C on the plus strand (A>G on the coding strand, the complement: MRPS16 is on the minus strand). VCF-style: chr10-73251238-T-C. GRCh37 (hg19) VCF-style: chr10-75010996-T-C.
Identifiers: ClinVar variation 682636 (VCV000682636.1), dbSNP rs7097418, ClinGen allele CA13224187.

ClinVar aggregate classification (germline): Benign (1 of 4 stars; one submission).

Allele frequency attached by ClinVar (database versions not stated): gnomAD 0.15157 and 0.15414; TOPMed 0.16305; 1000 Genomes Project 0.22943; 1000 Genomes Project 30x 0.23017.
gnomAD v4.1: 23,345 of 152,142 alleles (15%); highest among the groups gnomAD compares: African/African-American, 32%; 2,933 homozygotes.

Submission:

GeneDx
Classification: Benign. Last evaluated: 2018-06-14. Review status: criteria provided, single submitter. Criteria: GeneDx Variant Classification (06012015). Collection method: clinical testing. Allele origin: germline. Affected: yes.
Comment: This variant is considered likely benign or benign based on one or more of the following criteria: it is a conservative change, it occurs at a poorly conserved position in the protein, it is predicted to be benign by multiple in silico algorithms, and/or has population frequency not consistent with disease.